The following is an entry in ClinVar:

NM_001386298.1(CIC):c.1358G>A (p.Arg453His)

Gene: CIC (capicua transcriptional repressor; plus strand). Cytogenetic location: 19q13.2.
Variant type: single nucleotide variant.
Coding change: c.1358G>A on transcript NM_001386298.1 (MANE Select); coding-DNA position 1358, G replaced by A.
Protein change: p.Arg453His; replaces arginine 453 with histidine.
Molecular consequence: missense variant.
Genome position (GRCh38, 1-based): chr19:42,273,141, G>A. VCF-style: chr19-42273141-G-A. GRCh37 (hg19) VCF-style: chr19-42777293-G-A.
Other names: c.1358G>A, p.Arg453His (NM_001304815.2, NM_001379480.1, NM_001379482.1 and 1 more transcripts); short protein forms R453H.
Identifiers: ClinVar variation 3236380 (VCV003236380.4), dbSNP rs957357580, ClinGen allele CA308615164.

ClinVar aggregate classification (germline): Uncertain significance. Review status: criteria provided, multiple submitters, no conflicts (2 of 4 stars). 3 submissions from 3 submitters: Uncertain significance (3). Last evaluated 2026-06-29.

Conditions:
Intellectual developmental disorder, autosomal dominant 45. Also called: MENTAL RETARDATION, AUTOSOMAL DOMINANT 45; Intellectual disability, autosomal dominant 45. Identifiers: MedGen C4539848, MONDO:0030910, OMIM 617600.
CIC-related disorder. Also called: CIC-related condition.

Allele frequency attached by ClinVar (database versions not stated): TOPMed below 0.00001; gnomAD 0.00001.

Submissions (3):

PreventionGenetics, part of Exact Sciences
Classification: Uncertain significance for CIC-related condition. Last evaluated: 2026-06-29. Review status: criteria provided, single submitter. Criteria: ACMG Guidelines, 2015. Collection method: clinical testing. Allele origin: germline.
Comment: The CIC c.1358G>A variant is predicted to result in the amino acid substitution p.Arg453His. To our knowledge, this variant has not been reported in the literature or in a large population database (gnomAD), indicating this variant is rare. At this time, the clinical significance of this variant is uncertain due to the absence of conclusive functional and genetic evidence.

Dasa
Classification: Uncertain significance. Last evaluated: 2025-12-31. Review status: criteria provided, single submitter. Criteria: DASA Assertion Criteria. Collection method: clinical testing. Allele origin: germline.
Comment: NM_001386298.1(CIC):c.1358G>A (p.Arg453His) is a missense variant that results in the substitution of arginine with histidine. This variant is rare in population databases. The currently available literature and clinical evidence are not sufficient to establish a definitive association between this variant and the reported condition. Therefore, this variant is classified as a variant of uncertain significance.

MVZ Medizinische Genetik Mainz
Classification: Uncertain significance for Intellectual developmental disorder, autosomal dominant 45. Last evaluated: 2024-02-21. Review status: criteria provided, single submitter. Criteria: UK Practice Guidelines For Variant Classification V4 01 2020. Collection method: clinical testing. Allele origin: germline. Inheritance: Autosomal dominant inheritance. Affected: yes. Observed: 1 variant allele.
Comment: ACMG Criteria: PM2_SUP,PP3